The following is an entry in ClinVar:

NM_003998.4(NFKB1):c.1753-1G>A

Gene: NFKB1 (nuclear factor kappa B subunit 1; plus strand). Cytogenetic location: 4q24.
Variant type: single nucleotide variant.
Coding change: c.1753-1G>A on transcript NM_003998.4 (MANE Select); the canonical splice acceptor site of the intron before coding-DNA position 1753, G replaced by A.
Molecular consequence: splice acceptor variant.
Genome position (GRCh38, 1-based): chr4:102,606,495, G>A. VCF-style: chr4-102606495-G-A. GRCh37 (hg19) VCF-style: chr4-103527652-G-A.
Other names: c.1753-1G>A (NM_001382626.1, NM_001382625.1); c.1750-1G>A (NM_001382627.1, NM_001165412.2, NM_001319226.2); c.1711-1G>A (NM_001382628.1).
Identifiers: ClinVar variation 4736470 (VCV004736470.1).
Genomic context (GRCh38, chr4:102,606,495, plus strand): 5'-TGTGAGTTGTAAGTAAGTATTCACTGCTGACCAGTGAATCTCCTGCCCTTTCACTTTCCA[G>A]ACGCCCTTGCACTTGGCAGTGATCACTAAGCAGGAAGATGTGGTGGAGGATTTGCTGAGG-3'

ClinVar aggregate classification (germline): Likely pathogenic (1 of 4 stars; one submission).

Submission:

Labcorp Genetics (formerly Invitae), Labcorp
Classification: Likely pathogenic. Last evaluated: 2026-01-28. Review status: criteria provided, single submitter. Criteria: Invitae Variant Classification Sherloc (09022015). Collection method: clinical testing. Allele origin: germline.
Comment: This sequence change affects an acceptor splice site in intron 16 of the NFKB1 gene. It is expected to disrupt RNA splicing. Variants that disrupt the donor or acceptor splice site typically lead to a loss of protein function (PMID: 16199547), and loss-of-function variants in NFKB1 are known to be pathogenic (PMID: 26279205, 29477724). This variant is not present in population databases (gnomAD no frequency). This variant has not been reported in the literature in individuals affected with NFKB1-related conditions. Algorithms developed to predict the effect of sequence changes on RNA splicing suggest that this variant may disrupt the consensus splice site. In summary, the currently available evidence indicates that the variant is pathogenic, but additional data are needed to prove that conclusively. Therefore, this variant has been classified as Likely Pathogenic.

Literature cited by the submitters: PubMed 16199547; PubMed 26279205; PubMed 29477724.